The following is an entry in ClinVar:

NM_005334.3(HCFC1):c.2542A>G (p.Thr848Ala)

Gene: HCFC1 (host cell factor C1; minus strand). Cytogenetic location: Xq28.
Variant type: single nucleotide variant.
Coding change: c.2542A>G on transcript NM_005334.3 (MANE Select); coding-DNA position 2542, A replaced by G.
Protein change: p.Thr848Ala; replaces threonine 848 with alanine.
Molecular consequence: missense variant.
Genome position (GRCh38, 1-based): chrX:153,956,718, T>C on the plus strand (A>G on the coding strand, the complement: HCFC1 is on the minus strand). VCF-style: chrX-153956718-T-C. GRCh37 (hg19) VCF-style: chrX-153222169-T-C.
Other names: short protein forms T848A.
Identifiers: ClinVar variation 430244 (VCV000430244.11), dbSNP rs1131691855, ClinGen allele CA415128896.

ClinVar aggregate classification (germline): Uncertain significance. Review status: criteria provided, multiple submitters, no conflicts (2 of 4 stars). 2 submissions from 2 submitters: Uncertain significance (2). Last evaluated 2021-04-11.

Conditions:
Methylmalonic acidemia with homocystinuria, type cblX (MAHCX). Also called: INTELLECTUAL DEVELOPMENTAL DISORDER, X-LINKED 3. Identifiers: Orphanet 369962, MedGen C0796208, MONDO:0010657, OMIM 309541.

Submissions (2):

Labcorp Genetics (formerly Invitae), Labcorp
Classification: Uncertain significance for Methylmalonic acidemia with homocystinuria, type cblX. Last evaluated: 2021-04-11. Review status: criteria provided, single submitter. Criteria: Invitae Variant Classification Sherloc (09022015). Collection method: clinical testing. Allele origin: germline.
Comment: In summary, the available evidence is currently insufficient to determine the role of this variant in disease. Therefore, it has been classified as a Variant of Uncertain Significance. Algorithms developed to predict the effect of missense changes on protein structure and function are either unavailable or do not agree on the potential impact of this missense change (SIFT: "Tolerated"; PolyPhen-2: "Probably Damaging"; Align-GVGD: "Class C0"). This variant has not been reported in the literature in individuals with HCFC1-related conditions. ClinVar contains an entry for this variant (Variation ID: 430244). This variant is not present in population databases (ExAC no frequency). This sequence change replaces threonine with alanine at codon 848 of the HCFC1 protein (p.Thr848Ala). The threonine residue is highly conserved and there is a small physicochemical difference between threonine and alanine.

GeneDx
Classification: Uncertain significance. Last evaluated: 2020-12-15. Review status: criteria provided, single submitter. Criteria: GeneDx Variant Classification Process June 2021. Collection method: clinical testing. Allele origin: germline. Affected: yes.
Comment: Not observed in large population cohorts (Lek et al., 2016); In silico analysis supports that this missense variant has a deleterious effect on protein structure/function; Has not been previously published as pathogenic or benign to our knowledge